The following is an entry in ClinVar:

NM_003737.4(DCHS1):c.3781T>G (p.Ser1261Ala)

Gene: DCHS1 (dachsous cadherin-related 1; minus strand). Cytogenetic location: 11p15.4.
Variant type: single nucleotide variant.
Coding change: c.3781T>G on transcript NM_003737.4 (MANE Select); coding-DNA position 3781, T replaced by G.
Protein change: p.Ser1261Ala; replaces serine 1261 with alanine.
Molecular consequence: missense variant.
Genome position (GRCh38, 1-based): chr11:6,631,202, A>C on the plus strand (T>G on the coding strand, the complement: DCHS1 is on the minus strand). VCF-style: chr11-6631202-A-C. GRCh37 (hg19) VCF-style: chr11-6652433-A-C.
Other names: short protein forms S1261A.
Identifiers: ClinVar variation 4986702 (VCV004986702.1).

ClinVar aggregate classification (germline): Uncertain significance (1 of 4 stars; one submission).

Conditions:
DCHS1-related disorder. Also called: DCHS1-related condition.

gnomAD v4.1: 1 of 1,611,594 alleles (0.000062%); highest among the groups gnomAD compares: Admixed American, 0.0017%; no homozygotes.

Submission:

PreventionGenetics, part of Exact Sciences
Classification: Uncertain significance for DCHS1-related condition. Last evaluated: 2025-09-23. Review status: criteria provided, single submitter. Criteria: ACMG Guidelines, 2015. Collection method: clinical testing. Allele origin: germline.
Comment: The DCHS1 c.3781T>G variant is predicted to result in the amino acid substitution p.Ser1261Ala. To our knowledge, this variant has not been reported in the literature or in a large population database (gnomAD), indicating this variant is rare. At this time, the clinical significance of this variant is uncertain due to the absence of conclusive functional and genetic evidence.